The following is an entry in ClinVar:

ClinVar aggregate classification (germline): Uncertain significance (1 of 4 stars; one submission).

Conditions:
Combined immunodeficiency due to CTPS1 deficiency. Also called: Immunodeficiency 24; Severe combined immunodeficiency due to CTPS1 deficiency. Identifiers: Orphanet 420573, MedGen C4014617, MONDO:0014391, OMIM 615897.

Allele frequency attached by ClinVar (database versions not stated): gnomAD exomes below 0.00001.
gnomAD v4.1: 6 of 1,589,180 alleles (0.00038%); highest among the groups gnomAD compares: South Asian, 0.0066%; no homozygotes.

Submission:

Labcorp Genetics (formerly Invitae), Labcorp
Classification: Uncertain significance for Combined immunodeficiency due to CTPS1 deficiency. Last evaluated: 2022-07-19. Review status: criteria provided, single submitter. Criteria: Invitae Variant Classification Sherloc (09022015). Collection method: clinical testing. Allele origin: germline.
Comment: ClinVar contains an entry for this variant (Variation ID: 1464162). This variant has not been reported in the literature in individuals affected with CTPS1-related conditions. This variant is present in population databases (no rsID available, gnomAD 0.003%). This sequence change falls in intron 5 of the CTPS1 gene. It does not directly change the encoded amino acid sequence of the CTPS1 protein. It affects a nucleotide within the consensus splice site. Variants that disrupt the consensus splice site are a relatively common cause of aberrant splicing (PMID: 17576681, 9536098). Algorithms developed to predict the effect of sequence changes on RNA splicing suggest that this variant is not likely to affect RNA splicing. In summary, the available evidence is currently insufficient to determine the role of this variant in disease. Therefore, it has been classified as a Variant of Uncertain Significance.

Literature cited by the submitters: PubMed 17576681; PubMed 9536098.

NM_001905.4(CTPS1):c.555+5G>A

Gene: CTPS1 (CTP synthase 1; plus strand). Cytogenetic location: 1p34.2.
Variant type: single nucleotide variant.
Coding change: c.555+5G>A on transcript NM_001905.4 (MANE Select); 5 bases into the intron after coding-DNA position 555, G replaced by A.
Molecular consequence: intron variant.
Genome position (GRCh38, 1-based): chr1:40,988,715, G>A. VCF-style: chr1-40988715-G-A. GRCh37 (hg19) VCF-style: chr1-41454387-G-A.
Other names: c.87+5G>A (NM_001301237.2).
Identifiers: ClinVar variation 1464162 (VCV001464162.6), dbSNP rs1292013147, ClinGen allele CA522450898.